The following is an entry in ClinVar:

NM_000094.4(COL7A1):c.7756C>T (p.Gln2586Ter)

Gene: COL7A1 (collagen type VII alpha 1 chain; minus strand). Cytogenetic location: 3p21.31.
Variant type: single nucleotide variant.
Coding change: c.7756C>T on transcript NM_000094.4 (MANE Select); coding-DNA position 7756, C replaced by T.
Protein change: p.Gln2586Ter; replaces glutamine 2586 with a stop codon.
Molecular consequence: nonsense.
Genome position (GRCh38, 1-based): chr3:48,568,786, G>A on the plus strand (C>T on the coding strand, the complement: COL7A1 is on the minus strand). VCF-style: chr3-48568786-G-A. GRCh37 (hg19) VCF-style: chr3-48606219-G-A.
Other names: short protein forms Q2586*.
Identifiers: ClinVar variation 4817403 (VCV004817403.1).

ClinVar aggregate classification (germline): Pathogenic (1 of 4 stars; one submission).

Conditions:
Epidermolysis bullosa dystrophica. Also called: Dystrophic epidermolysis bullosa, Hallopeau-Siemens type (formerly); Dystrophic epidermolysis bullosa. Identifiers: Orphanet 303, MedGen C0079294, MONDO:0006543.

Submission:

Natera, Inc.
Classification: Pathogenic for Dystrophic epidermolysis bullosa. Last evaluated: 2024-06-13. Review status: criteria provided, single submitter. Criteria: Natera Variant Classification Schema (03/2026). Collection method: clinical testing. Allele origin: germline.
Comment: The c.7756C>T variant in COL7A1 is a nonsense variant predicted to introduce a stop codon at amino acid 2586. This variant is expected to result in nonsense mediated decay, truncation, or a dysfunctional protein product. This variant is rare in the general population with a frequency below the threshold expected for the associated phenotype(s). This variant has been observed in one or more individuals affected with the associated recessive disease, as either homozygous or compound heterozygous with a second variant (PMID: 31001817). Given the available evidence, this variant is classified as Pathogenic.

Literature cited by the submitters: PubMed 31001817.